The following is an entry in ClinVar:

NM_004656.4(BAP1):c.1433_1449dup (p.Pro484fs)

Gene: BAP1 (BRCA1 associated deubiquitinase 1; minus strand). Cytogenetic location: 3p21.1.
Variant type: Duplication.
Coding change: c.1433_1449dup on transcript NM_004656.4 (MANE Select); coding-DNA positions 1433 to 1449, 17 bases duplicated (TGCCCACACACTCGCAG).
Protein change: p.Pro484fs; shifts the reading frame from proline 484.
Molecular consequence: frameshift variant.
Genome position (GRCh38, 1-based): chr3:52,403,696-52,403,712, CTGCGAGTGTGTGGGCA duplicated on the plus strand (TGCCCACACACTCGCAG on the coding strand, the reverse complement: BAP1 is on the minus strand); duplicating any 17 consecutive bases within chr3:52,403,696-52,403,716 gives the same sequence; the c. name uses the placement nearest the transcript's 3' end. VCF-style (leftmost placement, unchanged base first): chr3-52403695-G-GCTGCGAGTGTGTGGGCA. GRCh37 (hg19) VCF-style: chr3-52437711-G-GCTGCGAGTGTGTGGGCA.
Other names: short protein forms P484fs.
Identifiers: ClinVar variation 953129 (VCV000953129.9), dbSNP rs1705050256, ClinGen allele CA1139658116.

ClinVar aggregate classification (germline): Pathogenic. Review status: criteria provided, multiple submitters, no conflicts (2 of 4 stars). 2 submissions from 2 submitters: Pathogenic (2). Last evaluated 2023-05-17.

Conditions:
BAP1-related tumor predisposition syndrome (TPDS1). Also called: COMMON Syndrome; BAP1 tumor predisposition syndrome; Tumor susceptibility linked to germline BAP1 mutations; TUMOR PREDISPOSITION SYNDROME 1. Identifiers: Orphanet 289539, MedGen C3280492, MONDO:0013692, OMIM 614327.

Submissions (2):

Myriad Genetics, Inc.
Classification: Pathogenic for BAP1-related tumor predisposition syndrome. Last evaluated: 2023-05-17. Review status: criteria provided, single submitter. Criteria: Myriad Autosomal Dominant, Autosomal Recessive and X-Linked Classification Criteria (2023). Collection method: clinical testing. Allele origin: unknown.
Comment: This variant is considered pathogenic. This variant creates a frameshift predicted to result in premature protein truncation.

Labcorp Genetics (formerly Invitae), Labcorp
Classification: Pathogenic for BAP1-related tumor predisposition syndrome. Last evaluated: 2020-09-04. Review status: criteria provided, single submitter. Criteria: Invitae Variant Classification Sherloc (09022015). Collection method: clinical testing. Allele origin: germline.
Comment: For these reasons, this variant has been classified as Pathogenic. Loss-of-function variants in BAP1 are known to be pathogenic (PMID: 21874000, 23684012). Algorithms developed to predict the effect of sequence changes on RNA splicing suggest that this variant may create or strengthen a splice site, but this prediction has not been confirmed by published transcriptional studies. This variant has not been reported in the literature in individuals with BAP1-related conditions. ClinVar contains an entry for this variant (Variation ID: 953129). This variant is not present in population databases (ExAC no frequency). This sequence change creates a premature translational stop signal (p.Pro484Cysfs*93) in the BAP1 gene. It is expected to result in an absent or disrupted protein product.

Literature cited by the submitters: PubMed 21874000 (cited by Labcorp Genetics (formerly Invitae), Labcorp); PubMed 23684012 (cited by Labcorp Genetics (formerly Invitae), Labcorp).